The following is an entry in ClinVar:

ClinVar aggregate classification (germline): Pathogenic (1 of 4 stars; one submission).

Conditions:
Neuronopathy, distal hereditary motor, autosomal recessive 4. Also called: NEUROPATHY, DISTAL HEREDITARY MOTOR, AUTOSOMAL RECESSIVE 4; Autosomal recessive lower motor neuron disease with childhood onset. Identifiers: Orphanet 206580, MedGen C1970211, MONDO:0012608, OMIM 611067.
Charcot-Marie-Tooth disease recessive intermediate C. Also called: CHARCOT-MARIE-TOOTH NEUROPATHY, RECESSIVE INTERMEDIATE C. Identifiers: Orphanet 369867, MedGen C3809309, MONDO:0014154, OMIM 615376.

Submission:

Labcorp Genetics (formerly Invitae), Labcorp
Classification: Pathogenic for Neuronopathy, distal hereditary motor, autosomal recessive 4; Charcot-Marie-Tooth disease recessive intermediate C. Last evaluated: 2023-04-14. Review status: criteria provided, single submitter. Criteria: Invitae Variant Classification Sherloc (09022015). Collection method: clinical testing. Allele origin: germline.
Comment: This variant is not present in population databases (gnomAD no frequency). This variant has not been reported in the literature in individuals affected with PLEKHG5-related conditions. For these reasons, this variant has been classified as Pathogenic. This sequence change creates a premature translational stop signal (p.Ala577Argfs*78) in the PLEKHG5 gene. It is expected to result in an absent or disrupted protein product. Loss-of-function variants in PLEKHG5 are known to be pathogenic (PMID: 17564964, 23777631).

Literature cited by the submitters: PubMed 17564964; PubMed 23777631.

NM_020631.6(PLEKHG5):c.1728dup (p.Ala577fs)

Gene: PLEKHG5 (pleckstrin homology and RhoGEF domain containing G5; minus strand). Cytogenetic location: 1p36.31.
Variant type: Duplication.
Coding change: c.1728dup on transcript NM_020631.6 (MANE Select); coding-DNA position 1728, one base duplicated (C; older notation c.1728dupC).
Protein change: p.Ala577fs; shifts the reading frame from alanine 577.
Molecular consequence: frameshift variant.
Genome position (GRCh38, 1-based): chr1:6,470,308, G duplicated on the plus strand (C on the coding strand, the reverse complement: PLEKHG5 is on the minus strand). VCF-style (leftmost placement, unchanged base first): chr1-6470307-C-CG. GRCh37 (hg19) VCF-style: chr1-6530367-C-CG.
Other names: c.1839dup, p.Ala614fs (NM_001042663.3, NM_001265592.2); c.1728dup, p.Ala577fs (NM_001042664.2, NM_001042665.2, NM_001265594.3 and 1 more transcripts); c.1935dup, p.Ala646fs (NM_001265593.2); short protein forms A646fs, A577fs, A614fs.
Identifiers: ClinVar variation 2940146 (VCV002940146.3), dbSNP rs2523146735, ClinGen allele CA2740090582.